The following is an entry in ClinVar:

NM_001081.4(CUBN):c.3868A>G (p.Ile1290Val)

Gene: CUBN (cubilin; minus strand). Cytogenetic location: 10p13.
Variant type: single nucleotide variant.
Coding change: c.3868A>G on transcript NM_001081.4 (MANE Select); coding-DNA position 3868, A replaced by G.
Protein change: p.Ile1290Val; replaces isoleucine 1290 with valine.
Molecular consequence: missense variant.
Genome position (GRCh38, 1-based): chr10:17,041,182, T>C on the plus strand (A>G on the coding strand, the complement: CUBN is on the minus strand). VCF-style: chr10-17041182-T-C. GRCh37 (hg19) VCF-style: chr10-17083181-T-C.
Other names: short protein forms I1290V.
Identifiers: ClinVar variation 5008989 (VCV005008989.1).
Genomic context (GRCh38, chr10:17,041,182, plus strand): 5'-TGGTCCAGTTGCAATGCTGATTTTCAGAATAAGGATTCGGATACCCTATACTCTCTAAGA[T>C]GCCATAGGTTTGATTGACTATTACCACATTCTCACATGCTGGAAAAAGAAATGACTGTTA-3'
Protein context (NP_001072.2, residues 1280-1300): NVVIVNQTYG[Ile1290Val]LESIGYPNPY

ClinVar aggregate classification (germline): Uncertain significance (1 of 4 stars; one submission).

gnomAD v4.1: 2 of 1,613,804 alleles (0.00012%); highest among the groups gnomAD compares: Non-Finnish European, 0.00017%; no homozygotes.

Submission:

GeneDx
Classification: Uncertain significance. Last evaluated: 2026-03-13. Review status: criteria provided, single submitter. Criteria: GeneDx Variant Classification Process June 2021. Collection method: clinical testing. Allele origin: germline.
Comment: Not observed at significant frequency in large population cohorts (gnomAD); In silico analysis suggests that this missense variant does not alter protein structure/function; Has not been previously published as pathogenic or benign to our knowledge